The following is an entry in ClinVar:

NM_001903.5(CTNNA1):c.1900-13G>T

Gene: CTNNA1 (catenin alpha 1; plus strand). Cytogenetic location: 5q31.2.
Variant type: single nucleotide variant.
Coding change: c.1900-13G>T on transcript NM_001903.5 (MANE Select); 13 bases into the intron before coding-DNA position 1900, G replaced by T.
Molecular consequence: intron variant.
Genome position (GRCh38, 1-based): chr5:138,929,233, G>T. VCF-style: chr5-138929233-G-T. GRCh37 (hg19) VCF-style: chr5-138264922-G-T.
Other names: c.1900-13G>T (NM_001323982.2, NM_001323984.2, NM_001290307.3 and 2 more transcripts); c.1807-13G>T (NM_001323986.2); c.1531-13G>T (NM_001290310.3); c.1591-13G>T (NM_001290309.3); c.790-13G>T (NM_001323996.1, NM_001323993.1, NM_001324005.1 and 17 more transcripts); c.451-13G>T (NM_001324007.1, NM_001324009.1, NM_001324006.1 and 2 more transcripts); c.547-13G>T (NM_001324013.1, NM_001324012.1); c.697-13G>T (NM_001324011.1).
Identifiers: ClinVar variation 1635510 (VCV001635510.10), dbSNP rs781427504, ClinGen allele CA3432066.

ClinVar aggregate classification (germline): Likely benign. Review status: criteria provided, multiple submitters, no conflicts (2 of 4 stars). 3 submissions from 3 submitters: Likely benign (3). Last evaluated 2025-12-28.

Conditions:
Hereditary diffuse gastric adenocarcinoma (HDGC). Also called: DIFFUSE GASTRIC AND LOBULAR BREAST CANCER SYNDROME. Identifiers: Orphanet 26106, MedGen C1708349, MONDO:0007648, OMIM 137215.

Allele frequency attached by ClinVar (database versions not stated): ExAC 0.00001; TOPMed 0.00002.
gnomAD v4.1: 21 of 1,447,570 alleles (0.0015%); highest among the groups gnomAD compares: Admixed American, 0.0067%; no homozygotes.

Submissions (3):

Labcorp Genetics (formerly Invitae), Labcorp
Classification: Likely benign. Last evaluated: 2025-12-28. Review status: criteria provided, single submitter. Criteria: Invitae Variant Classification Sherloc (09022015). Collection method: clinical testing. Allele origin: germline.

Myriad Genetics, Inc.
Classification: Likely benign for Hereditary diffuse gastric adenocarcinoma. Last evaluated: 2024-10-14. Review status: criteria provided, single submitter. Criteria: Myriad Autosomal Dominant, Autosomal Recessive and X-Linked Classification Criteria (2023). Collection method: clinical testing. Allele origin: unknown.
Comment: This variant is considered likely benign. This variant is intronic and is not expected to impact mRNA splicing.

Blueprint Genetics
Classification: Likely benign. Last evaluated: 2024-01-11. Review status: criteria provided, single submitter. Criteria: ACMG Guidelines, 2015. Collection method: clinical testing. Allele origin: germline.